The following is an entry in ClinVar:

ClinVar aggregate classification (germline): Likely benign. Review status: criteria provided, multiple submitters, no conflicts (2 of 4 stars). 4 submissions from 4 submitters: Likely benign (4). Last evaluated 2025-07-01.

Allele frequency attached by ClinVar (database versions not stated): ExAC 0.00015; gnomAD 0.00016 and 0.00018; gnomAD exomes 0.00016 and 0.00046; TOPMed 0.00019; ESP Exome Variant Server 0.00023; 1000 Genomes Project 0.00040; 1000 Genomes Project 30x 0.00047.
gnomAD v4.1: 692 of 1,613,712 alleles (0.043%); highest among the groups gnomAD compares: Non-Finnish European, 0.056%; no homozygotes.

Submissions (4):

CeGaT Center for Human Genetics Tuebingen
Classification: Likely benign. Last evaluated: 2025-07-01. Review status: criteria provided, single submitter. Criteria: CeGaT Center For Human Genetics Tuebingen Variant Classification Criteria Version 2. Collection method: clinical testing. Allele origin: germline. Affected: yes. Observed: 1 variant allele.
Comment: STT3A: BP4, BP7

Labcorp Genetics (formerly Invitae), Labcorp
Classification: Likely benign. Last evaluated: 2025-01-20. Review status: criteria provided, single submitter. Criteria: Invitae Variant Classification Sherloc (09022015). Collection method: clinical testing. Allele origin: germline.

Blueprint Genetics
Classification: Likely benign. Last evaluated: 2024-11-20. Review status: criteria provided, single submitter. Criteria: ACMG Guidelines, 2015. Collection method: clinical testing. Allele origin: germline.

GeneDx
Classification: Likely benign. Last evaluated: 2021-06-08. Review status: criteria provided, single submitter. Criteria: GeneDx Variant Classification Process June 2021. Collection method: clinical testing. Allele origin: germline. Affected: yes.

NM_152713.5(STT3A):c.177C>T (p.Phe59=)

Gene: STT3A (STT3 oligosaccharyltransferase complex catalytic subunit A; plus strand). Cytogenetic location: 11q24.2.
Variant type: single nucleotide variant.
Coding change: c.177C>T on transcript NM_152713.5 (MANE Select); coding-DNA position 177, C replaced by T.
Protein change: p.Phe59=; no amino-acid change (phenylalanine 59 retained).
Molecular consequence: synonymous variant. On other transcripts: 5 prime UTR variant (1).
Genome position (GRCh38, 1-based): chr11:125,602,330, C>T. VCF-style: chr11-125602330-C-T. GRCh37 (hg19) VCF-style: chr11-125472225-C-T.
Other names: c.177C>T, p.Phe59= (NM_001278503.2); c.-100C>T (NM_001278504.2).
Identifiers: ClinVar variation 383002 (VCV000383002.20), dbSNP rs142629496, ClinGen allele CA6348776.